The following is an entry in ClinVar:

NM_001142864.4(PIEZO1):c.3898C>T (p.Arg1300Cys)

Gene: PIEZO1 (piezo type mechanosensitive ion channel component 1 (Er blood group); minus strand). Cytogenetic location: 16q24.3.
Variant type: single nucleotide variant.
Coding change: c.3898C>T on transcript NM_001142864.4 (MANE Select); coding-DNA position 3898, C replaced by T.
Protein change: p.Arg1300Cys; replaces arginine 1300 with cysteine.
Molecular consequence: missense variant.
Genome position (GRCh38, 1-based): chr16:88,726,354, G>A on the plus strand (C>T on the coding strand, the complement: PIEZO1 is on the minus strand). VCF-style: chr16-88726354-G-A. GRCh37 (hg19) VCF-style: chr16-88792762-G-A.
Other names: p.Arg1300Cys; short protein forms R1300C.
Identifiers: ClinVar variation 3932075 (VCV003932075.2).
Genomic context (GRCh38, chr16:88,726,354, plus strand): 5'-GCAGGGCGGTGGCCTGGAGGTCGGCCCTGACGTGCAGGTAGTAATGGCTAAGGAAGACGC[G>A]GCGCTGCAGCAGCAGGAAGAAGAAGCAGACGCTGTCCCAGATGATGCCAGCCTCCTCCAC-3'
Protein context (NP_001136336.2, residues 1290-1310): VCFFFLLLQR[Arg1300Cys]VFLSHYYLHV

ClinVar aggregate classification (germline): Uncertain significance. Review status: criteria provided, multiple submitters, no conflicts (2 of 4 stars). 2 submissions from 2 submitters: Uncertain significance (2). Last evaluated 2025-09-18.

Conditions:
Inborn genetic diseases. Identifiers: MedGen C0950123, MeSH D030342.

gnomAD v4.1: 48 of 1,550,272 alleles (0.0031%); highest among the groups gnomAD compares: Middle Eastern, 0.017%; no homozygotes.

Submissions (2):

Mayo Clinic Laboratories, Mayo Clinic
Classification: Uncertain significance. Last evaluated: 2025-09-18. Review status: criteria provided, single submitter. Criteria: ACMG Guidelines, 2015. Collection method: clinical testing. Allele origin: germline. Observed: 1 variant allele.
Comment: BP4

Ambry Genetics
Classification: Uncertain significance for Inborn genetic diseases. Last evaluated: 2025-05-06. Review status: criteria provided, single submitter. Criteria: Ambry Variant Classification Scheme 2023. Collection method: clinical testing. Allele origin: germline.